The following is an entry in ClinVar:

ClinVar aggregate classification (germline): Uncertain significance. Review status: criteria provided, multiple submitters, no conflicts (2 of 4 stars). 2 submissions from 2 submitters: Uncertain significance (2). Last evaluated 2025-06-23.

Conditions:
Seizures, benign familial infantile, 3 (BFIS3). Also called: Familial neonatal seizures; CONVULSIONS, BENIGN FAMILIAL INFANTILE, 3. Identifiers: Orphanet 140927, Orphanet 306, MedGen C1843140, MONDO:0011904, OMIM 607745.
Developmental and epileptic encephalopathy, 11 (DEE11). Also called: Early infantile epileptic encephalopathy 11. Identifiers: Orphanet 1934, MedGen C3150987, MONDO:0013388, OMIM 613721.

Submissions (2):

Labcorp Genetics (formerly Invitae), Labcorp
Classification: Uncertain significance for Seizures, benign familial infantile, 3; Developmental and epileptic encephalopathy, 11. Last evaluated: 2025-06-23. Review status: criteria provided, single submitter. Criteria: Invitae Variant Classification Sherloc (09022015). Collection method: clinical testing. Allele origin: germline.
Comment: This sequence change replaces aspartic acid, which is acidic and polar, with histidine, which is basic and polar, at codon 1526 of the SCN2A protein (p.Asp1526His). This variant is not present in population databases (gnomAD no frequency). This variant has not been reported in the literature in individuals affected with SCN2A-related conditions. ClinVar contains an entry for this variant (Variation ID: 2499844). Invitae Evidence Modeling of protein sequence and biophysical properties (such as structural, functional, and spatial information, amino acid conservation, physicochemical variation, residue mobility, and thermodynamic stability) indicates that this missense variant is expected to disrupt SCN2A protein function with a positive predictive value of 95%. In summary, the available evidence is currently insufficient to determine the role of this variant in disease. Therefore, it has been classified as a Variant of Uncertain Significance.

GeneDx
Classification: Uncertain significance. Last evaluated: 2022-10-19. Review status: criteria provided, single submitter. Criteria: GeneDx Variant Classification Process June 2021. Collection method: clinical testing. Allele origin: germline. Affected: yes.
Comment: Not observed at significant frequency in large population cohorts (gnomAD); Missense variants in this gene are often considered pathogenic (HGMD); In silico analysis supports that this missense variant has a deleterious effect on protein structure/function; Has not been previously published as pathogenic or benign to our knowledge; This substitution is predicted to be in the cytoplasmic loop between the third and fourth homologous domains

NM_001040142.2(SCN2A):c.4576G>C (p.Asp1526His)

Gene: SCN2A (sodium voltage-gated channel alpha subunit 2; plus strand). Cytogenetic location: 2q24.3.
Variant type: single nucleotide variant.
Coding change: c.4576G>C on transcript NM_001040142.2 (MANE Select); coding-DNA position 4576, G replaced by C.
Protein change: p.Asp1526His; replaces aspartic acid 1526 with histidine.
Molecular consequence: missense variant.
Genome position (GRCh38, 1-based): chr2:165,386,770, G>C. VCF-style: chr2-165386770-G-C. GRCh37 (hg19) VCF-style: chr2-166243280-G-C.
Other names: c.4576G>C, p.Asp1526His (NM_001040143.2, NM_001371246.1, NM_001371247.1 and 1 more transcripts); short protein forms D1526H.
Identifiers: ClinVar variation 2499844 (VCV002499844.3), dbSNP rs2468149365, ClinGen allele CA349036199.